The following is an entry in ClinVar:

NM_020312.4(COQ9):c.823A>G (p.Asn275Asp)

Gene: COQ9 (coenzyme Q9; plus strand). Cytogenetic location: 16q21.
Variant type: single nucleotide variant.
Coding change: c.823A>G on transcript NM_020312.4 (MANE Select); coding-DNA position 823, A replaced by G.
Protein change: p.Asn275Asp; replaces asparagine 275 with aspartic acid.
Molecular consequence: missense variant.
Genome position (GRCh38, 1-based): chr16:57,459,676, A>G. VCF-style: chr16-57459676-A-G. GRCh37 (hg19) VCF-style: chr16-57493588-A-G.
Other names: short protein forms N275D.
Identifiers: ClinVar variation 2019266 (VCV002019266.4), dbSNP rs2543575163, ClinGen allele CA396030311.

ClinVar aggregate classification (germline): Uncertain significance (1 of 4 stars; one submission).

Submission:

Labcorp Genetics (formerly Invitae), Labcorp
Classification: Uncertain significance. Last evaluated: 2025-05-27. Review status: criteria provided, single submitter. Criteria: Invitae Variant Classification Sherloc (09022015). Collection method: clinical testing. Allele origin: germline.
Comment: This sequence change replaces asparagine, which is neutral and polar, with aspartic acid, which is acidic and polar, at codon 275 of the COQ9 protein (p.Asn275Asp). This variant is not present in population databases (gnomAD no frequency). This variant has not been reported in the literature in individuals affected with COQ9-related conditions. ClinVar contains an entry for this variant (Variation ID: 2019266). An algorithm developed to predict the effect of missense changes on protein structure and function (PolyPhen-2) suggests that this variant is likely to be disruptive. In summary, the available evidence is currently insufficient to determine the role of this variant in disease. Therefore, it has been classified as a Variant of Uncertain Significance.